The following is an entry in ClinVar:

NM_001035.3(RYR2):c.1988T>C (p.Val663Ala)

Gene: RYR2 (ryanodine receptor 2; plus strand). Cytogenetic location: 1q43.
Variant type: single nucleotide variant.
Coding change: c.1988T>C on transcript NM_001035.3 (MANE Select); coding-DNA position 1988, T replaced by C.
Protein change: p.Val663Ala; replaces valine 663 with alanine.
Molecular consequence: missense variant.
Genome position (GRCh38, 1-based): chr1:237,496,537, T>C. VCF-style: chr1-237496537-T-C. GRCh37 (hg19) VCF-style: chr1-237659837-T-C.
Other names: c.1988T>C (NM_001035.2); short protein forms V663A.
Identifiers: ClinVar variation 1051576 (VCV001051576.50), dbSNP rs372837858, ClinGen allele CA345391119.
Genomic context (GRCh38, chr1:237,496,537, plus strand): 5'-ACTTTCCTTACATGTGATTCCCGTCTCTTTAAAGCATGAGACCCAATATTTTTCTGGGCG[T>C]CAGTGAAGGTTCTGCTCAGTATAAGAAATGGTACTATGAATTGATGGTGGACCACACAGA-3'
Protein context (NP_001026.2, residues 653-673): SSMRPNIFLG[Val663Ala]SEGSAQYKKW

ClinVar aggregate classification (germline): Uncertain significance. Review status: criteria provided, multiple submitters, no conflicts (2 of 4 stars). 3 submissions from 3 submitters: Uncertain significance (3). Last evaluated 2025-07-10.

Conditions:
Catecholaminergic polymorphic ventricular tachycardia (CVPT). Also called: Catecholamine-induced polymorphic ventricular tachycardia. Identifiers: Orphanet 3286, MedGen C5574922, MONDO:0017990.
Catecholaminergic polymorphic ventricular tachycardia 1. Also called: VENTRICULAR TACHYCARDIA, STRESS-INDUCED POLYMORPHIC 1; VENTRICULAR TACHYCARDIA, CATECHOLAMINERGIC POLYMORPHIC, 1, WITH OR WITHOUT ATRIAL DYSFUNCTION AND/OR DILATED CARDIOMYOPATHY; RYR2-Related Catecholaminergic Polymorphic Ventricular Tachycardia. Identifiers: Orphanet 3286, MedGen C1631597, MONDO:0011484, OMIM 604772.

Submissions (3):

GeneDx
Classification: Uncertain significance. Last evaluated: 2025-07-10. Review status: criteria provided, single submitter. Criteria: GeneDx Variant Classification Process June 2021. Collection method: clinical testing. Allele origin: germline. Affected: yes.
Comment: Not observed at significant frequency in large population cohorts (gnomAD); In silico analysis supports that this missense variant has a deleterious effect on protein structure/function; Has not been previously published as pathogenic or benign to our knowledge

Labcorp Genetics (formerly Invitae), Labcorp
Classification: Uncertain significance for Catecholaminergic polymorphic ventricular tachycardia 1. Last evaluated: 2025-05-09. Review status: criteria provided, single submitter. Criteria: Invitae Variant Classification Sherloc (09022015). Collection method: clinical testing. Allele origin: germline.
Comment: This sequence change replaces valine, which is neutral and non-polar, with alanine, which is neutral and non-polar, at codon 663 of the RYR2 protein (p.Val663Ala). This variant is not present in population databases (gnomAD no frequency). This variant has not been reported in the literature in individuals affected with RYR2-related conditions. ClinVar contains an entry for this variant (Variation ID: 1051576). Invitae Evidence Modeling of protein sequence and biophysical properties (such as structural, functional, and spatial information, amino acid conservation, physicochemical variation, residue mobility, and thermodynamic stability) indicates that this missense variant is not expected to disrupt RYR2 protein function with a negative predictive value of 95%. In summary, the available evidence is currently insufficient to determine the role of this variant in disease. Therefore, it has been classified as a Variant of Uncertain Significance.

All of Us Research Program, National Institutes of Health
Classification: Uncertain significance for Catecholaminergic polymorphic ventricular tachycardia. Last evaluated: 2024-07-10. Review status: criteria provided, single submitter. Criteria: ACMG Guidelines, 2015. Collection method: clinical testing. Allele origin: germline. Inheritance: Autosomal dominant inheritance. Observed: 1 variant allele, 1 heterozygote.
Comment: This missense variant replaces valine with alanine at codon 663 of the RYR2 protein. Computational prediction suggests that this variant may not impact protein structure and function (internally defined REVEL score threshold <= 0.5, PMID: 27666373). To our knowledge, functional studies have not been reported for this variant. This variant has not been reported in individuals affected with RYR2-related disorders in the literature. This variant has not been identified in the general population by the Genome Aggregation Database (gnomAD). The available evidence is insufficient to determine the role of this variant in disease conclusively. Therefore, this variant is classified as a Variant of Uncertain Significance.

This study involves interpretation of variants in research participants for the purpose of population health screening. Participant phenotype was not available at the time of variant classification. Additional details can be found in publication PMID: 35346344, PMCID: PMC8962531